The following is an entry in ClinVar:

NM_001303256.3(MORC2):c.1219T>C (p.Cys407Arg)

Gene: MORC2 (MORC family CW-type zinc finger 2; minus strand). Cytogenetic location: 22q12.2.
Variant type: single nucleotide variant.
Coding change: c.1219T>C on transcript NM_001303256.3 (MANE Select); coding-DNA position 1219, T replaced by C.
Protein change: p.Cys407Arg; replaces cysteine 407 with arginine.
Molecular consequence: missense variant.
Genome position (GRCh38, 1-based): chr22:30,937,965, A>G on the plus strand (T>C on the coding strand, the complement: MORC2 is on the minus strand). VCF-style: chr22-30937965-A-G. GRCh37 (hg19) VCF-style: chr22-31333952-A-G.
Other names: c.1219T>C, p.Cys407Arg (NM_001303257.2); c.1033T>C, p.Cys345Arg (NM_014941.3); short protein forms C345R, C407R.
Identifiers: ClinVar variation 4687916 (VCV004687916.1).

ClinVar aggregate classification (germline): Likely pathogenic (1 of 4 stars; one submission).

Conditions:
Charcot-Marie-Tooth disease axonal type 2Z. Also called: CHARCOT-MARIE-TOOTH DISEASE, AXONAL, AUTOSOMAL DOMINANT, TYPE 2Z; CHARCOT-MARIE-TOOTH NEUROPATHY, TYPE 2Z. Identifiers: Orphanet 466768, MedGen C5569025, MONDO:0014736, OMIM 616688.

Submission:

Human Genetics Bochum, Ruhr University Bochum
Classification: Likely pathogenic for Charcot-Marie-Tooth disease axonal type 2Z. Last evaluated: 2025-04-23. Review status: criteria provided, single submitter. Criteria: ACMG Guidelines, 2015. Collection method: clinical testing. Allele origin: germline. Affected: yes.
Comment: ACMG criteria used to clasify this variant: PM1, PM5, PM2_SUP, PP2

Literature cited by the submitters: PubMed 34059105; PubMed 28771897.